The following is an entry in ClinVar:

NM_001077365.2(POMT1):c.*278T>C

Gene: POMT1 (protein O-mannosyltransferase 1; plus strand). Cytogenetic location: 9q34.13.
Variant type: single nucleotide variant.
Coding change: c.*278T>C on transcript NM_001077365.2 (MANE Select); 278 bases downstream of the stop codon, T replaced by C.
Molecular consequence: 3 prime UTR variant. On other transcripts: non-coding transcript variant (10).
Genome position (GRCh38, 1-based): chr9:131,523,384, T>C. VCF-style: chr9-131523384-T-C. GRCh37 (hg19) VCF-style: chr9-134398771-T-C.
Other names: c.*278T>C (NM_001077366.2, NM_001136113.2, NM_001136114.2 and 15 more transcripts).
Identifiers: ClinVar variation 365290 (VCV000365290.8), dbSNP rs10793885, ClinGen allele CA10626603.

ClinVar aggregate classification (germline): Benign. Review status: criteria provided, multiple submitters, no conflicts (2 of 4 stars). 3 submissions from 3 submitters: Benign (3). Last evaluated 2018-06-18.

Conditions:
Autosomal recessive limb-girdle muscular dystrophy type 2K. Also called: MUSCULAR DYSTROPHY-DYSTROGLYCANOPATHY (LIMB-GIRDLE), TYPE C, 1; MUSCULAR DYSTROPHY, LIMB-GIRDLE, TYPE 2K. Identifiers: Orphanet 86812, MedGen C1836373, MONDO:0012248, OMIM 609308.

Allele frequency attached by ClinVar (database versions not stated): TOPMed 0.86905; 1000 Genomes Project 0.87121; gnomAD 0.88104 and 0.88545; gnomAD exomes 0.94282.
gnomAD v4.1: 420,787 of 455,812 alleles (92%); highest among the groups gnomAD compares: South Asian, 97%; 195,522 homozygotes.

Submissions (3):

GeneDx
Classification: Benign. Last evaluated: 2018-06-18. Review status: criteria provided, single submitter. Criteria: GeneDx Variant Classification Process June 2021. Collection method: clinical testing. Allele origin: germline. Affected: yes.

Illumina Laboratory Services, Illumina
Classification: Benign for Autosomal recessive limb-girdle muscular dystrophy type 2K. Last evaluated: 2018-01-12. Review status: criteria provided, single submitter. Criteria: ICSL Variant Classification Criteria 13 December 2019. Collection method: clinical testing. Allele origin: germline.
Comment: This variant was observed in the ICSL laboratory as part of a predisposition screen in an ostensibly healthy population. It had not been previously curated by ICSL or reported in the Human Gene Mutation Database (HGMD: prior to June 1st, 2018), and was therefore a candidate for classification through an automated scoring system. Utilizing variant allele frequency, disease prevalence and penetrance estimates, and inheritance mode, an automated score was calculated to assess if this variant is too frequent to cause the disease. Based on the score and internal cut-off values, a variant classified as benign is not then subjected to further curation. The score for this variant resulted in a classification of benign for this disease.

Breakthrough Genomics
Classification: Benign. Review status: criteria provided, single submitter. Criteria: ACMG Guidelines, 2015. Collection method: not provided. Allele origin: germline. Inheritance: Autosomal recessive inheritance. Affected: yes.